The following is an entry in ClinVar:

ClinVar aggregate classification (germline): Uncertain significance. Review status: criteria provided, multiple submitters, no conflicts (2 of 4 stars). 2 submissions from 2 submitters: Uncertain significance (2). Last evaluated 2022-01-11.

Allele frequency attached by ClinVar (database versions not stated): gnomAD exomes below 0.00001.
gnomAD v4.1: 6 of 1,612,290 alleles (0.00037%); highest among the groups gnomAD compares: South Asian, 0.0022%; no homozygotes.

Submissions (2):

Labcorp Genetics (formerly Invitae), Labcorp
Classification: Uncertain significance. Last evaluated: 2022-01-11. Review status: criteria provided, single submitter. Criteria: Invitae Variant Classification Sherloc (09022015). Collection method: clinical testing. Allele origin: germline.
Comment: This variant has not been reported in the literature in individuals affected with CDH2-related conditions. In summary, the available evidence is currently insufficient to determine the role of this variant in disease. Therefore, it has been classified as a Variant of Uncertain Significance. Algorithms developed to predict the effect of missense changes on protein structure and function are either unavailable or do not agree on the potential impact of this missense change (SIFT: "Deleterious"; PolyPhen-2: "Probably Damaging"; Align-GVGD: "Class C0"). This variant is present in population databases (rs771312999, gnomAD 0.003%). This sequence change replaces arginine, which is basic and polar, with cysteine, which is neutral and slightly polar, at codon 753 of the CDH2 protein (p.Arg753Cys).

Blueprint Genetics
Classification: Uncertain significance. Last evaluated: 2020-04-24. Review status: criteria provided, single submitter. Criteria: ACMG Guidelines, 2015. Collection method: clinical testing. Allele origin: germline.

NM_001792.5(CDH2):c.2257C>T (p.Arg753Cys)

Gene: CDH2 (cadherin 2; minus strand). Cytogenetic location: 18q12.1.
Variant type: single nucleotide variant.
Coding change: c.2257C>T on transcript NM_001792.5 (MANE Select); coding-DNA position 2257, C replaced by T.
Protein change: p.Arg753Cys; replaces arginine 753 with cysteine.
Molecular consequence: missense variant.
Genome position (GRCh38, 1-based): chr18:27,983,036, G>A on the plus strand (C>T on the coding strand, the complement: CDH2 is on the minus strand). VCF-style: chr18-27983036-G-A. GRCh37 (hg19) VCF-style: chr18-25563000-G-A.
Other names: c.2164C>T, p.Arg722Cys (NM_001308176.2); short protein forms R722C, R753C.
Identifiers: ClinVar variation 1440487 (VCV001440487.9), dbSNP rs771312999, ClinGen allele CA8923189.
Genomic context (GRCh38, chr18:27,983,036, plus strand): 5'-ATTTTAAAATATTATCTCTTACATCATCTTCTGGATCAATTAAAAGTTGTTTGGCCTGGC[G>A]TTCTTTATCCCGGCGTTTCATCCATACCACAAACATCAGCACAAGGACTAGGTAGAAAAA-3'
Protein context (NP_001783.2, residues 743-763): VVWMKRRDKE[Arg753Cys]QAKQLLIDPE